The following is an entry in ClinVar:

NM_206937.2(LIG4):c.2320C>G (p.Leu774Val)

Gene: LIG4 (DNA ligase 4; minus strand). Cytogenetic location: 13q33.3.
Variant type: single nucleotide variant.
Coding change: c.2320C>G on transcript NM_206937.2 (MANE Select); coding-DNA position 2320, C replaced by G.
Protein change: p.Leu774Val; replaces leucine 774 with valine.
Molecular consequence: missense variant.
Genome position (GRCh38, 1-based): chr13:108,208,949, G>C on the plus strand (C>G on the coding strand, the complement: LIG4 is on the minus strand). VCF-style: chr13-108208949-G-C. GRCh37 (hg19) VCF-style: chr13-108861297-G-C.
Other names: c.2320C>G, p.Leu774Val (NM_001098268.2, NM_001352598.2, NM_001352599.2 and 6 more transcripts); c.2119C>G, p.Leu707Val (NM_001330595.2); c.2356C>G, p.Leu786Val (NM_001352604.2); short protein forms L707V, L774V, L786V.
Identifiers: ClinVar variation 837865 (VCV000837865.7), dbSNP rs760371875, ClinGen allele CA7043524.

ClinVar aggregate classification (germline): Uncertain significance (1 of 4 stars; one submission).

Conditions:
DNA ligase IV deficiency. Identifiers: Orphanet 99812, MedGen C1847827, MONDO:0011686, OMIM 606593.

Allele frequency attached by ClinVar (database versions not stated): TOPMed below 0.00001; gnomAD 0.00001; gnomAD exomes 0.00002; ExAC 0.00003.
gnomAD v4.1: 27 of 1,614,046 alleles (0.0017%); highest among the groups gnomAD compares: Non-Finnish European, 0.0022%; no homozygotes.

Submission:

Labcorp Genetics (formerly Invitae), Labcorp
Classification: Uncertain significance for DNA ligase IV deficiency. Last evaluated: 2021-08-27. Review status: criteria provided, single submitter. Criteria: Invitae Variant Classification Sherloc (09022015). Collection method: clinical testing. Allele origin: germline.
Comment: This sequence change replaces leucine with valine at codon 774 of the LIG4 protein (p.Leu774Val). The leucine residue is highly conserved and there is a small physicochemical difference between leucine and valine. This variant is present in population databases (rs760371875, ExAC 0.006%). This variant has not been reported in the literature in individuals affected with LIG4-related conditions. Algorithms developed to predict the effect of missense changes on protein structure and function are either unavailable or do not agree on the potential impact of this missense change (SIFT: "Deleterious"; PolyPhen-2: "Possibly Damaging"; Align-GVGD: "Class C0"). In summary, the available evidence is currently insufficient to determine the role of this variant in disease. Therefore, it has been classified as a Variant of Uncertain Significance.